The following is an entry in ClinVar:

NM_001018113.3(FANCB):c.1840T>C (p.Tyr614His)

Gene: FANCB (FA complementation group B; minus strand). Cytogenetic location: Xp22.2.
Variant type: single nucleotide variant.
Coding change: c.1840T>C on transcript NM_001018113.3 (MANE Select); coding-DNA position 1840, T replaced by C.
Protein change: p.Tyr614His; replaces tyrosine 614 with histidine.
Molecular consequence: missense variant.
Genome position (GRCh38, 1-based): chrX:14,844,943, A>G on the plus strand (T>C on the coding strand, the complement: FANCB is on the minus strand). VCF-style: chrX-14844943-A-G. GRCh37 (hg19) VCF-style: chrX-14863065-A-G.
Other names: c.1840T>C, p.Tyr614His (NM_001324162.2, NM_001410764.1, NM_152633.4); short protein forms Y614H.
Identifiers: ClinVar variation 2050809 (VCV002050809.4), dbSNP rs2518952741, ClinGen allele CA412439508.
Genomic context (GRCh38, chrX:14,844,943, plus strand): 5'-GTAGGTACTTCCCAGTTGAAAGATCTTCTAGACTTAAAAAAACTCTGCCACACACAACAT[A>G]ACGATCTTTAGGACAGTTACCACTTTCTCTCTCCATAATTTGTAGCAGTACAGTGCAACA-3'
Protein context (NP_001018123.1, residues 604-624): RESGNCPKDR[Tyr614His]VVCGRVFLSL

ClinVar aggregate classification (germline): Uncertain significance (1 of 4 stars; one submission).

Conditions:
Fanconi anemia (FA). Also called: Fanconi's anemia. Identifiers: Orphanet 84, MedGen C0015625, MeSH D005199, MONDO:0019391.

Submission:

Labcorp Genetics (formerly Invitae), Labcorp
Classification: Uncertain significance for Fanconi anemia. Last evaluated: 2022-04-25. Review status: criteria provided, single submitter. Criteria: Invitae Variant Classification Sherloc (09022015). Collection method: clinical testing. Allele origin: germline.
Comment: In summary, the available evidence is currently insufficient to determine the role of this variant in disease. Therefore, it has been classified as a Variant of Uncertain Significance. Algorithms developed to predict the effect of missense changes on protein structure and function are either unavailable or do not agree on the potential impact of this missense change (SIFT: "Tolerated"; PolyPhen-2: "Possibly Damaging"; Align-GVGD: "Class C0"). This variant has not been reported in the literature in individuals affected with FANCB-related conditions. This variant is not present in population databases (gnomAD no frequency). This sequence change replaces tyrosine, which is neutral and polar, with histidine, which is basic and polar, at codon 614 of the FANCB protein (p.Tyr614His).